The following is an entry in ClinVar:

NM_138694.4(PKHD1):c.11831dup (p.His3944fs)

Gene: PKHD1 (PKHD1 ciliary IPT domain containing fibrocystin/polyductin; minus strand). Cytogenetic location: 6p12.3.
Variant type: Duplication.
Coding change: c.11831dup on transcript NM_138694.4 (MANE Select); coding-DNA position 11831, one base duplicated (A; older notation c.11831dupA).
Protein change: p.His3944fs; shifts the reading frame from histidine 3944.
Molecular consequence: frameshift variant.
Genome position (GRCh38, 1-based): chr6:51,619,475, T duplicated on the plus strand (A on the coding strand, the reverse complement: PKHD1 is on the minus strand). VCF-style (leftmost placement, unchanged base first): chr6-51619474-G-GT. GRCh37 (hg19) VCF-style: chr6-51484272-G-GT.
Other names: short protein forms H3944fs.
Identifiers: ClinVar variation 4816562 (VCV004816562.1).

ClinVar aggregate classification (germline): Likely pathogenic (1 of 4 stars; one submission).

Conditions:
Autosomal recessive polycystic kidney disease (ARPKD). Also called: AR polycystic kidney disease. Identifiers: Orphanet 731, Orphanet 8378, MedGen C0085548, MeSH D017044, MONDO:0009889.

Submission:

Natera, Inc.
Classification: Likely pathogenic for Autosomal recessive polycystic kidney disease. Last evaluated: 2025-09-04. Review status: criteria provided, single submitter. Criteria: Natera Variant Classification Schema (03/2026). Collection method: clinical testing. Allele origin: germline.
Comment: The c.11831dup variant in PKHD1 is a frameshift variant predicted to shift the reading frame beginning at codon 3944 and leads to a stop codon 13 codons downstream. This variant is expected to result in nonsense mediated decay, truncation, or a dysfunctional protein product. This variant is rare in the general population with a frequency below the threshold expected for the associated phenotype(s). Given the available evidence, this variant is classified as Likely Pathogenic.